The following is an entry in ClinVar:

NM_000083.3(CLCN1):c.2695G>A (p.Ala899Thr)

Gene: CLCN1 (chloride voltage-gated channel 1; plus strand). Cytogenetic location: 7q34.
Variant type: single nucleotide variant.
Coding change: c.2695G>A on transcript NM_000083.3 (MANE Select); coding-DNA position 2695, G replaced by A.
Protein change: p.Ala899Thr; replaces alanine 899 with threonine.
Molecular consequence: missense variant. On other transcripts: non-coding transcript variant (1).
Genome position (GRCh38, 1-based): chr7:143,351,693, G>A. VCF-style: chr7-143351693-G-A. GRCh37 (hg19) VCF-style: chr7-143048786-G-A.
Other names: short protein forms A899T.
Identifiers: ClinVar variation 2924338 (VCV002924338.3), dbSNP rs2485448440, ClinGen allele CA369653625.

ClinVar aggregate classification (germline): Uncertain significance (1 of 4 stars; one submission).

Conditions:
Congenital myotonia, autosomal dominant form (THD). Also called: THOMSEN DISEASE; Myotonia congenita autosomal dominant. Identifiers: Orphanet 614, MedGen C2936781, MONDO:0008055, OMIM 160800.
Congenital myotonia, autosomal recessive form. Also called: BECKER DISEASE; Becker Generalized Myotonia; myotonia congenita, autosomal recessive. Identifiers: Orphanet 614, MedGen C0751360, MONDO:0009715, OMIM 255700.

Submission:

Labcorp Genetics (formerly Invitae), Labcorp
Classification: Uncertain significance for Congenital myotonia, autosomal recessive form; Congenital myotonia, autosomal dominant form. Last evaluated: 2023-10-05. Review status: criteria provided, single submitter. Criteria: Invitae Variant Classification Sherloc (09022015). Collection method: clinical testing. Allele origin: germline.
Comment: This sequence change replaces alanine, which is neutral and non-polar, with threonine, which is neutral and polar, at codon 899 of the CLCN1 protein (p.Ala899Thr). This variant is not present in population databases (gnomAD no frequency). This variant has not been reported in the literature in individuals affected with CLCN1-related conditions. Advanced modeling of protein sequence and biophysical properties (such as structural, functional, and spatial information, amino acid conservation, physicochemical variation, residue mobility, and thermodynamic stability) performed at Invitae indicates that this missense variant is not expected to disrupt CLCN1 protein function. In summary, the available evidence is currently insufficient to determine the role of this variant in disease. Therefore, it has been classified as a Variant of Uncertain Significance.